The following is an entry in ClinVar:

ClinVar aggregate classification (germline): Uncertain significance (1 of 4 stars; one submission).

Allele frequency attached by ClinVar (database versions not stated): ExAC 0.00001; gnomAD exomes 0.00001 and 0.00002; gnomAD 0.00003; TOPMed 0.00003; ESP Exome Variant Server 0.00008.
gnomAD v4.1: 14 of 1,614,078 alleles (0.00087%); highest among the groups gnomAD compares: East Asian, 0.0022%; no homozygotes.

Submission:

Labcorp Genetics (formerly Invitae), Labcorp
Classification: Uncertain significance. Last evaluated: 2022-10-19. Review status: criteria provided, single submitter. Criteria: Invitae Variant Classification Sherloc (09022015). Collection method: clinical testing. Allele origin: germline.
Comment: This sequence change replaces glutamic acid, which is acidic and polar, with lysine, which is basic and polar, at codon 915 of the REST protein (p.Glu915Lys). This variant is present in population databases (rs372214552, gnomAD 0.003%). This variant has not been reported in the literature in individuals affected with REST-related conditions. ClinVar contains an entry for this variant (Variation ID: 1354338). Algorithms developed to predict the effect of missense changes on protein structure and function are either unavailable or do not agree on the potential impact of this missense change (SIFT: "Deleterious"; PolyPhen-2: "Benign"; Align-GVGD: "Class C0"). In summary, the available evidence is currently insufficient to determine the role of this variant in disease. Therefore, it has been classified as a Variant of Uncertain Significance.

NM_005612.5(REST):c.2743G>A (p.Glu915Lys)

Gene: REST (RE1 silencing transcription factor; plus strand). Cytogenetic location: 4q12.
Variant type: single nucleotide variant.
Coding change: c.2743G>A on transcript NM_005612.5 (MANE Select); coding-DNA position 2743, G replaced by A.
Protein change: p.Glu915Lys; replaces glutamic acid 915 with lysine.
Molecular consequence: missense variant.
Genome position (GRCh38, 1-based): chr4:56,931,601, G>A. VCF-style: chr4-56931601-G-A. GRCh37 (hg19) VCF-style: chr4-57797767-G-A.
Other names: c.2743G>A, p.Glu915Lys (NM_001193508.2, NM_001363453.3); short protein forms E915K.
Identifiers: ClinVar variation 1354338 (VCV001354338.8), dbSNP rs372214552, ClinGen allele CA2932547.
Genomic context (GRCh38, chr4:56,931,601, plus strand): 5'-CAGAAAGTAGGAGCAGAAGAGGCAGATGAGAGCCTACCTGGTCTTGCTGCTAATATCAAC[G>A]AATCTACCCATATTTCATCCTCTGGACAAAACTTGAATACGCCAGAGGGTGAAACTTTAA-3'
Protein context (NP_005603.3, residues 905-925): SLPGLAANIN[Glu915Lys]STHISSSGQN